The following is an entry in ClinVar:

NM_006206.6(PDGFRA):c.932-3C>T

Gene: PDGFRA (platelet derived growth factor receptor alpha; plus strand). Cytogenetic location: 4q12.
Variant type: single nucleotide variant.
Coding change: c.932-3C>T on transcript NM_006206.6 (MANE Select); 3 bases into the intron before coding-DNA position 932, C replaced by T.
Molecular consequence: intron variant.
Genome position (GRCh38, 1-based): chr4:54,267,549, C>T. VCF-style: chr4-54267549-C-T. GRCh37 (hg19) VCF-style: chr4-55133716-C-T.
Other names: c.1007-3C>T (NM_001347828.2); c.932-3C>T (NM_001347827.2, NM_001347829.2); c.971-3C>T (NM_001347830.2).
Identifiers: ClinVar variation 2895441 (VCV002895441.3), dbSNP rs2110266197, ClinGen allele CA2670657348.

ClinVar aggregate classification (germline): Uncertain significance (1 of 4 stars; one submission).

Conditions:
Gastrointestinal stromal tumor. Also called: Gastrointestinal stromal tumor, somatic; Gastrointestinal stroma tumor. Identifiers: Orphanet 44890, MedGen C0238198, MeSH D046152, MONDO:0011719, OMIM 606764, HP:0100723.

Allele frequency attached by ClinVar (database versions not stated): gnomAD exomes below 0.00001.
gnomAD v4.1: 4 of 1,614,132 alleles (0.00025%); highest among the groups gnomAD compares: Non-Finnish European, 0.00034%; no homozygotes.

Submission:

Labcorp Genetics (formerly Invitae), Labcorp
Classification: Uncertain significance for Gastrointestinal stromal tumor. Last evaluated: 2025-03-15. Review status: criteria provided, single submitter. Criteria: Invitae Variant Classification Sherloc (09022015). Collection method: clinical testing. Allele origin: germline.
Comment: This sequence change falls in intron 6 of the PDGFRA gene. It does not directly change the encoded amino acid sequence of the PDGFRA protein. It affects a nucleotide within the consensus splice site. This variant is not present in population databases (gnomAD no frequency). This variant has not been reported in the literature in individuals affected with PDGFRA-related conditions. ClinVar contains an entry for this variant (Variation ID: 2895441). Variants that disrupt the consensus splice site are a relatively common cause of aberrant splicing (PMID: 17576681, 9536098). Algorithms developed to predict the effect of sequence changes on RNA splicing suggest that this variant is not likely to affect RNA splicing. In summary, the available evidence is currently insufficient to determine the role of this variant in disease. Therefore, it has been classified as a Variant of Uncertain Significance.

Literature cited by the submitters: PubMed 17576681; PubMed 9536098.